The following is an entry in ClinVar:

NM_000141.5(FGFR2):c.2196G>T (p.Leu732=)

Gene: FGFR2 (fibroblast growth factor receptor 2; minus strand). Cytogenetic location: 10q26.13.
Variant type: single nucleotide variant.
Coding change: c.2196G>T on transcript NM_000141.5 (MANE Select); coding-DNA position 2196, G replaced by T.
Protein change: p.Leu732=; no amino-acid change (leucine 732 retained).
Molecular consequence: synonymous variant. On other transcripts: non-coding transcript variant (1).
Genome position (GRCh38, 1-based): chr10:121,483,803, C>A on the plus strand (G>T on the coding strand, the complement: FGFR2 is on the minus strand). VCF-style: chr10-121483803-C-A. GRCh37 (hg19) VCF-style: chr10-123243317-C-A.
Other names: c.1929G>T, p.Leu643= (NM_023029.3, NM_001144915.2); c.1860G>T, p.Leu620= (NM_001144914.1); c.1851G>T, p.Leu617= (NM_001144916.2); c.1848G>T, p.Leu616= (NM_001144917.2); c.1845G>T, p.Leu615= (NM_001144918.2); c.1932G>T, p.Leu644= (NM_001144919.2); c.1512G>T, p.Leu504= (NM_001320654.2); c.2190G>T, p.Leu730= (NM_001320658.2); and 1 more.
Identifiers: ClinVar variation 2768526 (VCV002768526.3), dbSNP rs1185093931, ClinGen allele CA471645611.

ClinVar aggregate classification (germline): Uncertain significance (1 of 4 stars; one submission).

Conditions:
FGFR2-related craniosynostosis. Identifiers: MedGen CN231480.

Submission:

Labcorp Genetics (formerly Invitae), Labcorp
Classification: Uncertain significance for FGFR2-related craniosynostosis. Last evaluated: 2023-10-14. Review status: criteria provided, single submitter. Criteria: Invitae Variant Classification Sherloc (09022015). Collection method: clinical testing. Allele origin: germline.
Comment: This sequence change affects codon 732 of the FGFR2 mRNA. It is a 'silent' change, meaning that it does not change the encoded amino acid sequence of the FGFR2 protein. It affects a nucleotide within the consensus splice site. This variant is not present in population databases (gnomAD no frequency). This variant has not been reported in the literature in individuals affected with FGFR2-related conditions. Algorithms developed to predict the effect of sequence changes on RNA splicing suggest that this variant is not likely to affect RNA splicing. In summary, the available evidence is currently insufficient to determine the role of this variant in disease. Therefore, it has been classified as a Variant of Uncertain Significance.